The following is an entry in ClinVar:

ClinVar aggregate classification (germline): Benign. Review status: criteria provided, multiple submitters, no conflicts (2 of 4 stars). 5 submissions from 5 submitters: Benign (4). 1 of the submissions does not count toward it. Last evaluated 2026-01-27.

Conditions:
LAMA5-related disorder. Also called: LAMA5-Related Disorders; LAMA5-related condition.

Allele frequency attached by ClinVar (database versions not stated): 1000 Genomes Project 30x 0.01077; 1000 Genomes Project 0.01138; TOPMed 0.01622; gnomAD 0.02010 and 0.02020; gnomAD exomes 0.02157 and 0.02665; ExAC 0.02197; ESP Exome Variant Server 0.02260.
gnomAD v4.1: 41,937 of 1,612,958 alleles (2.6%); highest among the groups gnomAD compares: Non-Finnish European, 2.9%; 654 homozygotes.

Submissions (5):

Labcorp Genetics (formerly Invitae), Labcorp
Classification: Benign. Last evaluated: 2026-01-27. Review status: criteria provided, single submitter. Criteria: Invitae Variant Classification Sherloc (09022015). Collection method: clinical testing. Allele origin: germline.

Mayo Clinic Laboratories, Mayo Clinic
Classification: Benign. Last evaluated: 2025-03-13. Review status: criteria provided, single submitter. Criteria: ACMG Guidelines, 2015. Collection method: clinical testing. Allele origin: germline. Observed: 3 variant alleles.
Comment: BS1, BS2

CeGaT Center for Human Genetics Tuebingen
Classification: Benign. Last evaluated: 2025-01-01. Review status: criteria provided, single submitter. Criteria: CeGaT Center For Human Genetics Tuebingen Variant Classification Criteria Version 2. Collection method: clinical testing. Allele origin: germline. Affected: yes. Observed: 6 variant alleles.
Comment: LAMA5: BP4, BS1, BS2

Breakthrough Genomics
Classification: Benign. Review status: criteria provided, single submitter. Criteria: ACMG Guidelines, 2015. Collection method: not provided. Allele origin: germline. Inheritance: Autosomal recessive inheritance. Affected: yes.

PreventionGenetics, part of Exact Sciences
Classification: Benign for LAMA5-related condition. Last evaluated: 2019-02-22. Review status: no assertion criteria provided. Collection method: clinical testing. Allele origin: germline. Not counted in ClinVar's aggregate classification.
Comment: This variant is classified as benign based on ACMG/AMP sequence variant interpretation guidelines (Richards et al. 2015 PMID: 25741868, with internal and published modifications).

Literature cited by the submitters: PubMed 29669943 (cited by Mayo Clinic Laboratories, Mayo Clinic).

NM_005560.6(LAMA5):c.2435A>C (p.Lys812Thr)

Gene: LAMA5 (laminin subunit alpha 5; minus strand). Cytogenetic location: 20q13.33.
Variant type: single nucleotide variant.
Coding change: c.2435A>C on transcript NM_005560.6 (MANE Select); coding-DNA position 2435, A replaced by C.
Protein change: p.Lys812Thr; replaces lysine 812 with threonine.
Molecular consequence: missense variant.
Genome position (GRCh38, 1-based): chr20:62,335,068, T>G on the plus strand (A>C on the coding strand, the complement: LAMA5 is on the minus strand). VCF-style: chr20-62335068-T-G. GRCh37 (hg19) VCF-style: chr20-60910124-T-G.
Other names: p.Lys812Thr; c.2435A>C (NM_005560.4); short protein forms K812T.
Identifiers: ClinVar variation 1598992 (VCV001598992.39), dbSNP rs79319629, ClinGen allele CA9943439.